The following is an entry in ClinVar:

NM_014283.5(SUCO):c.2507A>G (p.Asn836Ser)

Gene: SUCO (SUN domain containing ossification factor; plus strand). Cytogenetic location: 1q24.3.
Variant type: single nucleotide variant.
Coding change: c.2507A>G on transcript NM_014283.5 (MANE Select); coding-DNA position 2507, A replaced by G.
Protein change: p.Asn836Ser; replaces asparagine 836 with serine.
Molecular consequence: missense variant. On other transcripts: intron variant (1).
Genome position (GRCh38, 1-based): chr1:172,589,608, A>G. VCF-style: chr1-172589608-A-G. GRCh37 (hg19) VCF-style: chr1-172558748-A-G.
Other names: c.2507A>G (NM_014283.3); c.818A>G, p.Asn273Ser (NM_001282751.2); c.2960A>G, p.Asn987Ser (NM_016227.4); c.1712+684A>G (NM_001282750.2); short protein forms N836S, N273S, N987S.
Identifiers: ClinVar variation 1442316 (VCV001442316.9), dbSNP rs375496148, ClinGen allele CA1247094.

ClinVar aggregate classification (germline): Conflicting classifications of pathogenicity. Review status: criteria provided, conflicting classifications (1 of 4 stars). 2 submissions from 2 submitters: Uncertain significance (1); Likely benign (1). Last evaluated 2024-06-24.

Allele frequency attached by ClinVar (database versions not stated): gnomAD exomes 0.00002 and 0.00007; ExAC 0.00006; ESP Exome Variant Server 0.00008; 1000 Genomes Project 30x 0.00016; TOPMed 0.00017; 1000 Genomes Project 0.00020; gnomAD 0.00023 and 0.00025.
gnomAD v4.1: 71 of 1,613,920 alleles (0.0044%); highest among the groups gnomAD compares: African/African-American, 0.067%; no homozygotes.

Submissions (2):

Labcorp Genetics (formerly Invitae), Labcorp
Classification: Uncertain significance. Last evaluated: 2024-06-24. Review status: criteria provided, single submitter. Criteria: Invitae Variant Classification Sherloc (09022015). Collection method: clinical testing. Allele origin: germline.
Comment: This sequence change replaces asparagine, which is neutral and polar, with serine, which is neutral and polar, at codon 836 of the SUCO protein (p.Asn836Ser). This variant is present in population databases (rs375496148, gnomAD 0.07%), and has an allele count higher than expected for a pathogenic variant. This variant has not been reported in the literature in individuals affected with SUCO-related conditions. ClinVar contains an entry for this variant (Variation ID: 1442316). Algorithms developed to predict the effect of missense changes on protein structure and function output the following: SIFT: "Not Available"; PolyPhen-2: "Benign"; Align-GVGD: "Not Available". The serine amino acid residue is found in multiple mammalian species, which suggests that this missense change does not adversely affect protein function. In summary, the available evidence is currently insufficient to determine the role of this variant in disease. Therefore, it has been classified as a Variant of Uncertain Significance.

Ambry Genetics
Classification: Likely benign. Last evaluated: 2022-08-17. Review status: criteria provided, single submitter. Criteria: Ambry Variant Classification Scheme 2023. Collection method: clinical testing. Allele origin: germline.